The following is an entry in ClinVar:

ClinVar aggregate classification (germline): Likely benign (0 of 4 stars; one submission).

Conditions:
DNMT3A-related disorder. Also called: DNMT3A-related disorders; DNMT3A-related condition.

Submission:

PreventionGenetics, part of Exact Sciences
Classification: Likely benign for DNMT3A-related condition. Last evaluated: 2024-07-16. Review status: no assertion criteria provided. Collection method: clinical testing. Allele origin: germline.
Comment: This variant is classified as likely benign based on ACMG/AMP sequence variant interpretation guidelines (Richards et al. 2015 PMID: 25741868, with internal and published modifications).

NM_022552.5(DNMT3A):c.2388T>G (p.Gly796=)

Gene: DNMT3A (DNA methyltransferase 3 alpha; minus strand). Cytogenetic location: 2p23.3.
Variant type: single nucleotide variant.
Coding change: c.2388T>G on transcript NM_022552.5 (MANE Select); coding-DNA position 2388, T replaced by G.
Protein change: p.Gly796=; no amino-acid change (glycine 796 retained).
Molecular consequence: synonymous variant. On other transcripts: non-coding transcript variant (1).
Genome position (GRCh38, 1-based): chr2:25,239,150, A>C on the plus strand (T>G on the coding strand, the complement: DNMT3A is on the minus strand). VCF-style: chr2-25239150-A-C. GRCh37 (hg19) VCF-style: chr2-25462019-A-C.
Other names: c.1932T>G, p.Gly644= (NM_001320893.1); c.1719T>G, p.Gly573= (NM_001375819.1); c.1821T>G, p.Gly607= (NM_153759.3); c.2388T>G, p.Gly796= (NM_175629.2).
Identifiers: ClinVar variation 3348251 (VCV003348251.1).